The following is an entry in ClinVar:

ClinVar aggregate classification (germline): Uncertain significance (1 of 4 stars; one submission).

Conditions:
Inborn genetic diseases. Identifiers: MedGen C0950123, MeSH D030342.

Submission:

Ambry Genetics
Classification: Uncertain significance for Inborn genetic diseases. Last evaluated: 2025-05-11. Review status: criteria provided, single submitter. Criteria: Ambry Variant Classification Scheme 2023. Collection method: clinical testing. Allele origin: germline.
Comment: The p.V1405F variant (also known as c.4213G>T), located in coding exon 13 of the ASXL1 gene, results from a G to T substitution at nucleotide position 4213. The valine at codon 1405 is replaced by phenylalanine, an amino acid with highly similar properties. This amino acid position is conserved. In addition, the in silico prediction for this alteration is inconclusive. Based on the available evidence, the clinical significance of this variant remains unclear.

NM_015338.6(ASXL1):c.4213G>T (p.Val1405Phe)

Gene: ASXL1 (ASXL transcriptional regulator 1; plus strand). Cytogenetic location: 20q11.21.
Variant type: single nucleotide variant.
Coding change: c.4213G>T on transcript NM_015338.6 (MANE Select); coding-DNA position 4213, G replaced by T.
Protein change: p.Val1405Phe; replaces valine 1405 with phenylalanine.
Molecular consequence: missense variant.
Genome position (GRCh38, 1-based): chr20:32,436,925, G>T. VCF-style: chr20-32436925-G-T. GRCh37 (hg19) VCF-style: chr20-31024728-G-T.
Other names: c.4030G>T, p.Val1344Phe (NM_001363734.1); short protein forms V1405F, V1344F.
Identifiers: ClinVar variation 3956868 (VCV003956868.1).
Genomic context (GRCh38, chr20:32,436,925, plus strand): 5'-AGGAAAGCTACTGGGCATAGTCCCCTGGAACTGGTGGGTCACTTGGAAGGGATGCCCTTT[G>T]TCATGGACTTGCCCTTCTGGAAATTACCCCGAGAGCCAGGGAAGGGGCTCAGTGAGCCTC-3'
Protein context (NP_056153.2, residues 1395-1415): LVGHLEGMPF[Val1405Phe]MDLPFWKLPR